The following is an entry in ClinVar:

ClinVar aggregate classification (germline): Uncertain significance (1 of 4 stars; one submission).

Submission:

Labcorp Genetics (formerly Invitae), Labcorp
Classification: Uncertain significance. Last evaluated: 2021-12-21. Review status: criteria provided, single submitter. Criteria: Invitae Variant Classification Sherloc (09022015). Collection method: clinical testing. Allele origin: germline.
Comment: This sequence change replaces histidine, which is basic and polar, with leucine, which is neutral and non-polar, at codon 68 of the USH2A protein (p.His68Leu). This variant is not present in population databases (gnomAD no frequency). This variant has not been reported in the literature in individuals affected with USH2A-related conditions. Algorithms developed to predict the effect of missense changes on protein structure and function (SIFT, PolyPhen-2, Align-GVGD) all suggest that this variant is likely to be tolerated. In summary, the available evidence is currently insufficient to determine the role of this variant in disease. Therefore, it has been classified as a Variant of Uncertain Significance.

NM_206933.4(USH2A):c.203A>T (p.His68Leu)

Gene: USH2A (usherin; minus strand). Cytogenetic location: 1q41.
Variant type: single nucleotide variant.
Coding change: c.203A>T on transcript NM_206933.4 (MANE Select); coding-DNA position 203, A replaced by T.
Protein change: p.His68Leu; replaces histidine 68 with leucine.
Molecular consequence: missense variant.
Genome position (GRCh38, 1-based): chr1:216,422,134, T>A on the plus strand (A>T on the coding strand, the complement: USH2A is on the minus strand). VCF-style: chr1-216422134-T-A. GRCh37 (hg19) VCF-style: chr1-216595476-T-A.
Other names: c.203A>T, p.His68Leu (NM_007123.6); short protein forms H68L.
Identifiers: ClinVar variation 1981482 (VCV001981482.1), dbSNP rs765666540, ClinGen allele CA37922147.